The following is an entry in ClinVar:

ClinVar aggregate classification (germline): Conflicting classifications of pathogenicity. Review status: criteria provided, conflicting classifications (1 of 4 stars). 3 submissions from 2 submitters: Likely pathogenic (1); Uncertain significance (2). Last evaluated 2018-01-13.

Conditions:
Mitochondrial complex I deficiency, nuclear type 1. Also called: NADH-COENZYME Q REDUCTASE DEFICIENCY; MITOCHONDRIAL NADH DEHYDROGENASE COMPONENT OF COMPLEX I, DEFICIENCY OF. Identifiers: MedGen C6022305, MONDO:0100224, OMIM 252010.
Leigh syndrome (NULS). Also called: Leigh's syndrome; Leigh Disease; Subacute necrotizing encephalopathy; Necrotizing encephalopathy infantile subacute of Leigh; LEIGH SYNDROME, NUCLEAR; Leigh's necrotizing encephalopathy. Identifiers: Orphanet 506, MedGen C2931891, MONDO:0009723, OMIM 256000.

Allele frequency attached by ClinVar (database versions not stated): gnomAD 0.00001; TOPMed 0.00001; gnomAD exomes 0.00002; ExAC 0.00006.

Submissions (3):

Illumina Laboratory Services, Illumina
Classification: Uncertain significance for Leigh syndrome. Last evaluated: 2018-01-13. Review status: criteria provided, single submitter. Criteria: ICSL Variant Classification Criteria 13 December 2019. Collection method: clinical testing. Allele origin: germline.

Illumina Laboratory Services, Illumina
Classification: Uncertain significance for Mitochondrial complex I deficiency, nuclear type 1. Last evaluated: 2018-01-13. Review status: criteria provided, single submitter. Criteria: ICSL Variant Classification Criteria 13 December 2019. Collection method: clinical testing. Allele origin: germline.

GeneDx
Classification: Likely pathogenic. Last evaluated: 2015-04-13. Review status: criteria provided, single submitter. Criteria: GeneDx Variant Classification (06012015). Collection method: clinical testing. Allele origin: germline. Affected: yes.
Comment: The A100V variant has not been published as a pathogenic variant, nor has it been reported as a benign polymorphism to our knowledge. The A100V variant is a conservative amino acid substitution, which is not likely to impact secondary protein structure as these residues share similar properties. However, this substitution occurs at a position that is conserved across species, in silico analysis predicts this variant is probably damaging to the protein structure/function, and missense variants in nearby residues (R94C, R102H) have been reported in the Human Gene Mutation Database in association with complex I deficiency and Leigh syndrome (Stenson et al., 2014), supporting the functional importance of this region of the protein. Therefore, this variant is a strong candidate for a pathogenic variant, however the possibility that it is a benign variant cannot be excluded.

NM_002496.4(NDUFS8):c.299C>T (p.Ala100Val)

Gene: NDUFS8 (NADH:ubiquinone oxidoreductase core subunit S8; plus strand). Cytogenetic location: 11q13.2.
Variant type: single nucleotide variant.
Coding change: c.299C>T on transcript NM_002496.4 (MANE Select); coding-DNA position 299, C replaced by T.
Protein change: p.Ala100Val; replaces alanine 100 with valine.
Molecular consequence: missense variant.
Genome position (GRCh38, 1-based): chr11:68,033,210, C>T. VCF-style: chr11-68033210-C-T. GRCh37 (hg19) VCF-style: chr11-67800677-C-T.
Other names: short protein forms A100V.
Identifiers: ClinVar variation 305767 (VCV000305767.6), dbSNP rs748754134, ClinGen allele CA6146437.
Genomic context (GRCh38, chr11:68,033,210, plus strand): 5'-CCACCATCAACTACCCGTTCGAGAAGGGCCCGCTGAGCCCTCGCTTCCGTGGGGAGCATG[C>T]GCTGCGCCGGTACCCATCCGGGGAGGAGCGTTGCATTGCCTGCAAGCTCTGCGAGGCCAT-3'
Protein context (NP_002487.1, residues 90-110): PLSPRFRGEH[Ala100Val]LRRYPSGEER